The following is an entry in ClinVar:

NM_022167.4(XYLT2):c.1726A>G (p.Met576Val)

Gene: XYLT2 (xylosyltransferase 2; plus strand). Cytogenetic location: 17q21.33.
Variant type: single nucleotide variant.
Coding change: c.1726A>G on transcript NM_022167.4 (MANE Select); coding-DNA position 1726, A replaced by G.
Protein change: p.Met576Val; replaces methionine 576 with valine.
Molecular consequence: missense variant.
Genome position (GRCh38, 1-based): chr17:50,356,754, A>G. VCF-style: chr17-50356754-A-G. GRCh37 (hg19) VCF-style: chr17-48434115-A-G.
Other names: short protein forms M576V.
Identifiers: ClinVar variation 1464116 (VCV001464116.7), dbSNP rs200430765, ClinGen allele CA8646531.

ClinVar aggregate classification (germline): Uncertain significance. Review status: criteria provided, multiple submitters, no conflicts (2 of 4 stars). 2 submissions from 2 submitters: Uncertain significance (2). Last evaluated 2025-04-03.

Conditions:
Inborn genetic diseases. Identifiers: MedGen C0950123, MeSH D030342.

Allele frequency attached by ClinVar (database versions not stated): gnomAD exomes 0.00003 and 0.00002; gnomAD 0.00005 and 0.00004; 1000 Genomes Project 30x 0.00016; TOPMed 0.00005; 1000 Genomes Project 0.00020; ExAC 0.00002.

Submissions (2):

Ambry Genetics
Classification: Uncertain significance for Inborn genetic diseases. Last evaluated: 2025-04-03. Review status: criteria provided, single submitter. Criteria: Ambry Variant Classification Scheme 2023. Collection method: clinical testing. Allele origin: germline.

Labcorp Genetics (formerly Invitae), Labcorp
Classification: Uncertain significance. Last evaluated: 2021-04-30. Review status: criteria provided, single submitter. Criteria: Invitae Variant Classification Sherloc (09022015). Collection method: clinical testing. Allele origin: germline.
Comment: In summary, the available evidence is currently insufficient to determine the role of this variant in disease. Therefore, it has been classified as a Variant of Uncertain Significance. Algorithms developed to predict the effect of sequence changes on RNA splicing suggest that this variant may create or strengthen a splice site, but this prediction has not been confirmed by published transcriptional studies. Algorithms developed to predict the effect of missense changes on protein structure and function (SIFT, PolyPhen-2, Align-GVGD) all suggest that this variant is likely to be tolerated, but these predictions have not been confirmed by published functional studies and their clinical significance is uncertain. This variant has not been reported in the literature in individuals with XYLT2-related conditions. This variant is present in population databases (rs200430765, ExAC 0.01%). This sequence change replaces methionine with valine at codon 576 of the XYLT2 protein (p.Met576Val). The methionine residue is weakly conserved and there is a small physicochemical difference between methionine and valine.